The following is an entry in ClinVar:

ClinVar aggregate classification (germline): Uncertain significance. Review status: criteria provided, multiple submitters, no conflicts (2 of 4 stars). 3 submissions from 3 submitters: Uncertain significance (3). Last evaluated 2025-10-02.

Conditions:
Inborn genetic diseases. Identifiers: MedGen C0950123, MeSH D030342.

Allele frequency attached by ClinVar (database versions not stated): ExAC 0.00002; gnomAD exomes 0.00002 and 0.00003; TOPMed 0.00005.
gnomAD v4.1: 40 of 1,613,878 alleles (0.0025%); highest among the groups gnomAD compares: Middle Eastern, 0.016%; no homozygotes.

Submissions (3):

Ambry Genetics
Classification: Uncertain significance for Inborn genetic diseases. Last evaluated: 2025-10-02. Review status: criteria provided, single submitter. Criteria: Ambry Variant Classification Scheme 2023. Collection method: clinical testing. Allele origin: germline.

Blueprint Genetics
Classification: Uncertain significance. Last evaluated: 2024-06-13. Review status: criteria provided, single submitter. Criteria: ACMG Guidelines, 2015. Collection method: clinical testing. Allele origin: germline.

Labcorp Genetics (formerly Invitae), Labcorp
Classification: Uncertain significance. Last evaluated: 2022-08-21. Review status: criteria provided, single submitter. Criteria: Invitae Variant Classification Sherloc (09022015). Collection method: clinical testing. Allele origin: germline.
Comment: This sequence change replaces proline, which is neutral and non-polar, with arginine, which is basic and polar, at codon 98 of the GNAT2 protein (p.Pro98Arg). This variant is present in population databases (rs763912191, gnomAD 0.007%). This variant has not been reported in the literature in individuals affected with GNAT2-related conditions. ClinVar contains an entry for this variant (Variation ID: 862946). Advanced modeling of protein sequence and biophysical properties (such as structural, functional, and spatial information, amino acid conservation, physicochemical variation, residue mobility, and thermodynamic stability) performed at Invitae indicates that this missense variant is not expected to disrupt GNAT2 protein function. In summary, the available evidence is currently insufficient to determine the role of this variant in disease. Therefore, it has been classified as a Variant of Uncertain Significance.

NM_001377295.2(GNAT2):c.293C>G (p.Pro98Arg)

Gene: GNAT2 (G protein subunit alpha transducin 2; minus strand). Cytogenetic location: 1p13.3.
Variant type: single nucleotide variant.
Coding change: c.293C>G on transcript NM_001377295.2 (MANE Select); coding-DNA position 293, C replaced by G.
Protein change: p.Pro98Arg; replaces proline 98 with arginine.
Molecular consequence: missense variant.
Genome position (GRCh38, 1-based): chr1:109,610,050, G>C on the plus strand (C>G on the coding strand, the complement: GNAT2 is on the minus strand). VCF-style: chr1-109610050-G-C. GRCh37 (hg19) VCF-style: chr1-110152672-G-C.
Other names: c.293C>G, p.Pro98Arg (NM_001379232.1, NM_005272.5); short protein forms P98R.
Identifiers: ClinVar variation 862946 (VCV000862946.9), dbSNP rs763912191, ClinGen allele CA992476.
Genomic context (GRCh38, chr1:109,610,050, plus strand): 5'-TTGCTAGCCTTTCTGCTTCCACCCTTAACCACATAATAGTAATCACATACCGCACAGCTT[G>C]GTTCAGCATAATCGATGCCCAGTGTGGTCATGGCCCGGATGATAGCCAGGATGGACTGCA-3'
Protein context (NP_001364224.1, residues 88-108): MTTLGIDYAE[Pro98Arg]SCADDGRQLN